The following is an entry in ClinVar:

NM_001081.4(CUBN):c.3749C>T (p.Ser1250Phe)

Gene: CUBN (cubilin; minus strand). Cytogenetic location: 10p13.
Variant type: single nucleotide variant.
Coding change: c.3749C>T on transcript NM_001081.4 (MANE Select); coding-DNA position 3749, C replaced by T.
Protein change: p.Ser1250Phe; replaces serine 1250 with phenylalanine.
Molecular consequence: missense variant.
Genome position (GRCh38, 1-based): chr10:17,043,907, G>A on the plus strand (C>T on the coding strand, the complement: CUBN is on the minus strand). VCF-style: chr10-17043907-G-A. GRCh37 (hg19) VCF-style: chr10-17085906-G-A.
Other names: short protein forms S1250F.
Identifiers: ClinVar variation 56336 (VCV000056336.2), dbSNP rs386833784, ClinGen allele CA144284.

ClinVar aggregate classification (germline): Likely pathogenic (0 of 4 stars; one submission).

Conditions:
Imerslund-Grasbeck syndrome. Also called: PERNICIOUS ANEMIA, JUVENILE, DUE TO SELECTIVE INTESTINAL MALABSORPTION OF VITAMIN B12, WITH PROTEINURIA; Megaloblastic anemia due to inborn errors of metabolism; Imerslund-Gräsbeck syndrome; ENTEROCYTE COBALAMIN MALABSORPTION; ENTEROCYTE INTRINSIC FACTOR RECEPTOR, DEFECT OF. Identifiers: Orphanet 35858, MedGen C4551825, MONDO:0009853.

Submission:

Juha Muilu Group; Institute for Molecular Medicine Finland (FIMM)
Classification: Likely pathogenic for Megaloblastic anemia due to inborn errors of metabolism. Review status: no assertion criteria provided. Collection method: not provided. Allele origin: unknown.
Comment: FinDis database variant: This variant was not found or characterized by our laboratory, data were collected from public sources: see reference
ClinVar note: Converted during submission from probable-pathogenic to Likely pathogenic.